The following is an entry in ClinVar:

ClinVar aggregate classification (germline): Uncertain significance. Review status: criteria provided, multiple submitters, no conflicts (2 of 4 stars). 3 submissions from 3 submitters: Uncertain significance (3). Last evaluated 2025-01-27.

Allele frequency attached by ClinVar (database versions not stated): ExAC 0.00001; gnomAD exomes 0.00003; gnomAD 0.00011; TOPMed 0.00011.
gnomAD v4.1: 35 of 1,613,154 alleles (0.0022%); highest among the groups gnomAD compares: Admixed American, 0.055%; no homozygotes.

Submissions (3):

Women's Health and Genetics/Laboratory Corporation of America, LabCorp
Classification: Uncertain significance. Last evaluated: 2025-01-27. Review status: criteria provided, single submitter. Criteria: LabCorp Variant Classification Summary - May 2015. Collection method: clinical testing. Allele origin: germline.

GeneDx
Classification: Uncertain significance. Last evaluated: 2023-06-12. Review status: criteria provided, single submitter. Criteria: GeneDx Variant Classification Process June 2021. Collection method: clinical testing. Allele origin: germline. Affected: yes.
Comment: In silico analysis is inconclusive as to whether the variant alters gene splicing. In the absence of RNA/functional studies, the actual effect of this sequence change is unknown.; Has not been previously published as pathogenic or benign to our knowledge

Labcorp Genetics (formerly Invitae), Labcorp
Classification: Uncertain significance. Last evaluated: 2022-08-13. Review status: criteria provided, single submitter. Criteria: Invitae Variant Classification Sherloc (09022015). Collection method: clinical testing. Allele origin: germline.
Comment: This sequence change falls in intron 6 of the OTOF gene. It does not directly change the encoded amino acid sequence of the OTOF protein. It affects a nucleotide within the consensus splice site. This variant is present in population databases (rs779232394, gnomAD 0.03%). This variant has not been reported in the literature in individuals affected with OTOF-related conditions. Variants that disrupt the consensus splice site are a relatively common cause of aberrant splicing (PMID: 17576681, 9536098). Algorithms developed to predict the effect of sequence changes on RNA splicing suggest that this variant may disrupt the consensus splice site. In summary, the available evidence is currently insufficient to determine the role of this variant in disease. Therefore, it has been classified as a Variant of Uncertain Significance.

Literature cited by the submitters: PubMed 17576681 (cited by Labcorp Genetics (formerly Invitae), Labcorp); PubMed 9536098 (cited by Labcorp Genetics (formerly Invitae), Labcorp).

NM_194248.3(OTOF):c.583+3A>G

Genes: OTOF (otoferlin; minus strand), LOC129933336 (ATAC-STARR-seq lymphoblastoid silent region 11274; plus strand). Cytogenetic location: 2p23.3.
Variant type: single nucleotide variant.
Coding change: c.583+3A>G on transcript NM_194248.3 (MANE Select); 3 bases into the intron after coding-DNA position 583, A replaced by G.
Molecular consequence: intron variant.
Genome position (GRCh38, 1-based): chr2:26,503,769, T>C on the plus strand (A>G on the coding strand, the complement: OTOF is on the minus strand). VCF-style: chr2-26503769-T-C. GRCh37 (hg19) VCF-style: chr2-26726637-T-C.
Other names: c.583+3A>G (NM_001287489.2).
Identifiers: ClinVar variation 2046264 (VCV002046264.4), dbSNP rs779232394, ClinGen allele CA1564603.